The following is an entry in ClinVar:

ClinVar aggregate classification (germline): Uncertain significance (1 of 4 stars; one submission).

Submission:

Labcorp Genetics (formerly Invitae), Labcorp
Classification: Uncertain significance. Last evaluated: 2025-07-27. Review status: criteria provided, single submitter. Criteria: Invitae Variant Classification Sherloc (09022015). Collection method: clinical testing. Allele origin: germline.
Comment: This sequence change replaces asparagine, which is neutral and polar, with lysine, which is basic and polar, at codon 373 of the SEMA4A protein (p.Asn373Lys). This variant is not present in population databases (gnomAD no frequency). This variant has not been reported in the literature in individuals affected with SEMA4A-related conditions. Invitae Evidence Modeling of protein sequence and biophysical properties (such as structural, functional, and spatial information, amino acid conservation, physicochemical variation, residue mobility, and thermodynamic stability) indicates that this missense variant is not expected to disrupt SEMA4A protein function with a negative predictive value of 80%. In summary, the available evidence is currently insufficient to determine the role of this variant in disease. Therefore, it has been classified as a Variant of Uncertain Significance.

NM_022367.4(SEMA4A):c.1119C>A (p.Asn373Lys)

Gene: SEMA4A (semaphorin 4A; plus strand). Cytogenetic location: 1q22.
Variant type: single nucleotide variant.
Coding change: c.1119C>A on transcript NM_022367.4 (MANE Select); coding-DNA position 1119, C replaced by A.
Protein change: p.Asn373Lys; replaces asparagine 373 with lysine.
Molecular consequence: missense variant.
Genome position (GRCh38, 1-based): chr1:156,163,079, C>A. VCF-style: chr1-156163079-C-A. GRCh37 (hg19) VCF-style: chr1-156132870-C-A.
Other names: c.1119C>A, p.Asn373Lys (NM_001193300.2, NM_001193301.2, NM_001370567.1); c.723C>A, p.Asn241Lys (NM_001193302.2); c.822C>A, p.Asn274Lys (NM_001370568.1); c.612C>A, p.Asn204Lys (NM_001370569.1, NM_001370571.1); short protein forms N204K, N241K, N274K, N373K.
Identifiers: ClinVar variation 4810095 (VCV004810095.1).